The following is an entry in ClinVar:

ClinVar aggregate classification (germline): Uncertain significance (1 of 4 stars; one submission).

Allele frequency attached by ClinVar (database versions not stated): ExAC 0.00001; gnomAD exomes 0.00001; TOPMed 0.00001; gnomAD 0.00002.

Submission:

Labcorp Genetics (formerly Invitae), Labcorp
Classification: Uncertain significance. Last evaluated: 2024-12-16. Review status: criteria provided, single submitter. Criteria: Invitae Variant Classification Sherloc (09022015). Collection method: clinical testing. Allele origin: germline.
Comment: This sequence change replaces arginine, which is basic and polar, with glycine, which is neutral and non-polar, at codon 2556 of the SZT2 protein (p.Arg2556Gly). This variant is present in population databases (rs748716966, gnomAD 0.01%). This variant has not been reported in the literature in individuals affected with SZT2-related conditions. ClinVar contains an entry for this variant (Variation ID: 854895). Invitae Evidence Modeling of protein sequence and biophysical properties (such as structural, functional, and spatial information, amino acid conservation, physicochemical variation, residue mobility, and thermodynamic stability) indicates that this missense variant is expected to disrupt SZT2 protein function with a positive predictive value of 80%. In summary, the available evidence is currently insufficient to determine the role of this variant in disease. Therefore, it has been classified as a Variant of Uncertain Significance.

NM_001365999.1(SZT2):c.7837A>G (p.Arg2613Gly)

Gene: SZT2 (SZT2 subunit of KICSTOR complex; plus strand). Cytogenetic location: 1p34.2.
Variant type: single nucleotide variant.
Coding change: c.7837A>G on transcript NM_001365999.1 (MANE Select); coding-DNA position 7837, A replaced by G.
Protein change: p.Arg2613Gly; replaces arginine 2613 with glycine.
Molecular consequence: missense variant.
Genome position (GRCh38, 1-based): chr1:43,442,094, A>G. VCF-style: chr1-43442094-A-G. GRCh37 (hg19) VCF-style: chr1-43907765-A-G.
Other names: c.7666A>G, p.Arg2556Gly (NM_015284.4); short protein forms R2556G, R2613G.
Identifiers: ClinVar variation 854895 (VCV000854895.8), dbSNP rs748716966, ClinGen allele CA810354.